The following is an entry in ClinVar:

NM_000179.3(MSH6):c.2511C>T (p.His837=)

Gene: MSH6 (mutS homolog 6; plus strand). Cytogenetic location: 2p16.3.
Variant type: single nucleotide variant.
Coding change: c.2511C>T on transcript NM_000179.3 (MANE Select); coding-DNA position 2511, C replaced by T.
Protein change: p.His837=; no amino-acid change (histidine 837 retained).
Molecular consequence: synonymous variant.
Genome position (GRCh38, 1-based): chr2:47,800,494, C>T. VCF-style: chr2-47800494-C-T. GRCh37 (hg19) VCF-style: chr2-48027633-C-T.
Other names: c.2121C>T, p.His707= (NM_001281492.2); c.1605C>T, p.His535= (NM_001281493.2, NM_001281494.2).
Identifiers: ClinVar variation 455204 (VCV000455204.22), dbSNP rs587779925, ClinGen allele CA426121525.

ClinVar aggregate classification (germline): Benign/Likely benign. Review status: criteria provided, multiple submitters, no conflicts (2 of 4 stars). 7 submissions from 7 submitters: Benign (1); Likely benign (6). Last evaluated 2025-11-27.

Conditions:
Hereditary nonpolyposis colorectal neoplasms. Identifiers: MedGen C0009405, MeSH D003123.
Hereditary cancer-predisposing syndrome. Also called: Hereditary Cancer Syndrome; Hereditary neoplastic syndrome; Neoplastic Syndromes, Hereditary; Tumor predisposition. Identifiers: Orphanet 140162, MedGen C0027672, MeSH D009386, MONDO:0015356.
Lynch syndrome 5 (LYNCH5). Also called: Hereditary non-polyposis colorectal cancer, type 5; Colorectal cancer, hereditary nonpolyposis, type 5. Identifiers: Orphanet 144, MedGen C1833477, MONDO:0013710, OMIM 614350. Disease mechanism: loss of function.

Allele frequency attached by ClinVar (database versions not stated): TOPMed 0.00001.
gnomAD v4.1: 36 of 1,612,826 alleles (0.0022%); highest among the groups gnomAD compares: Non-Finnish European, 0.0029%; no homozygotes.

Submissions (7):

Labcorp Genetics (formerly Invitae), Labcorp
Classification: Likely benign for Hereditary nonpolyposis colorectal neoplasms. Last evaluated: 2025-11-27. Review status: criteria provided, single submitter. Criteria: Invitae Variant Classification Sherloc (09022015). Collection method: clinical testing. Allele origin: germline.

Women's Health and Genetics/Laboratory Corporation of America, LabCorp
Classification: Likely benign. Last evaluated: 2025-07-11. Review status: criteria provided, single submitter. Criteria: LabCorp Variant Classification Summary - May 2015. Collection method: clinical testing. Allele origin: germline.

Myriad Genetics, Inc.
Classification: Benign for Lynch syndrome 5. Last evaluated: 2024-12-31. Review status: criteria provided, single submitter. Criteria: Myriad Autosomal Dominant, Autosomal Recessive and X-Linked Classification Criteria (2023). Collection method: clinical testing. Allele origin: unknown.
Comment: This variant is considered benign. This variant is a silent/synonymous amino acid change and it is not expected to impact splicing.

Sema4
Classification: Likely benign for Hereditary cancer-predisposing syndrome. Last evaluated: 2022-03-02. Review status: criteria provided, single submitter. Criteria: Sema4 Curation Guidelines. Collection method: curation. Allele origin: germline.

GeneDx
Classification: Likely benign. Last evaluated: 2021-04-29. Review status: criteria provided, single submitter. Criteria: GeneDx Variant Classification Process June 2021. Collection method: clinical testing. Allele origin: germline. Affected: yes.

Color Diagnostics, LLC DBA Color Health
Classification: Likely benign for Hereditary cancer-predisposing syndrome. Last evaluated: 2017-11-13. Review status: criteria provided, single submitter. Criteria: ACMG Guidelines, 2015. Collection method: clinical testing. Allele origin: germline.

Ambry Genetics
Classification: Likely benign for Hereditary cancer-predisposing syndrome. Last evaluated: 2016-02-18. Review status: criteria provided, single submitter. Criteria: Ambry Variant Classification Scheme 2023. Collection method: clinical testing. Allele origin: germline.